The following is an entry in ClinVar:

ClinVar aggregate classification (germline): Likely pathogenic. Review status: criteria provided, multiple submitters, no conflicts (2 of 4 stars). 2 submissions from 2 submitters: Likely pathogenic (2). Last evaluated 2025-01-20.

Conditions:
KDM2A-related neurodevelopmental disorder.
Neurodevelopmental disorder. Identifiers: MedGen C1535926, MeSH D065886, MONDO:0700092.

Submissions (2):

Institute of Human Genetics, University of Leipzig Medical Center
Classification: Likely pathogenic for KDM2A-related neurodevelopmental disorder. Last evaluated: 2025-01-20. Review status: criteria provided, single submitter. Criteria: ACMG Guidelines, 2015. Collection method: research. Allele origin: de novo. Inheritance: Autosomal dominant inheritance. Affected: yes.
Comment: Criteria applied: PS2_MOD, PM2, PP2, PP3

Victorian Clinical Genetics Services, Murdoch Childrens Research Institute
Classification: Likely pathogenic for Neurodevelopmental disorder. Last evaluated: 2024-10-09. Review status: criteria provided, single submitter. Criteria: ACMG Guidelines, 2015. Collection method: clinical testing. Allele origin: germline. Inheritance: Autosomal dominant inheritance. Affected: yes.
Comment: Based on the classification scheme VCGS_Germline_v1.3.4, this variant is classified as Likely pathogenic. Following criteria are met: 0102 - Loss of function is a likely mechanism of disease in this gene and is associated with neurodevelopmental disorder (MONDO:0700092), KDM2A-related. KDM2A variants have been identified in several heterozygous individuals with KDM2A-related neurodevelopmental disorder, majority of whom are de novo (unpublished data, PMID: 38060137). (I) 0107 - This gene is associated with autosomal dominant disease. (I) 0200 - Variant is predicted to result in a missense amino acid change from histidine to tyrosine. (I) 0251 - This variant is heterozygous. (I) 0301 - Variant is absent from gnomAD (both v2 and v3). (SP) 0501 - Missense variant consistently predicted to be damaging by multiple in silico tools or highly conserved with a major amino acid change. (SP) 0603 - Missense variant in a region that is highly intolerant to missense variation (high constraint region in DECIPHER). (SP) 0705 - No comparable missense variants have previous evidence for pathogenicity. (I) 0807 - This variant has no previous evidence of pathogenicity. (I) 0905 - No published segregation evidence has been identified for this variant. (I) 1007 - No published functional evidence has been identified for this variant. (SP) Legend: (SP) - Supporting pathogenic, (I) - Information, (SB) - Supporting benign

Literature cited by the submitters: DOI 10.1101/2025.03.31.25324695 (cited by Institute of Human Genetics, University of Leipzig Medical Center); PubMed 38060137 (cited by Victorian Clinical Genetics Services, Murdoch Childrens Research Institute).

NM_012308.3(KDM2A):c.850C>T (p.His284Tyr)

Gene: KDM2A (lysine demethylase 2A; plus strand). Cytogenetic location: 11q13.2.
Variant type: single nucleotide variant.
Coding change: c.850C>T on transcript NM_012308.3 (MANE Select); coding-DNA position 850, C replaced by T.
Protein change: p.His284Tyr; replaces histidine 284 with tyrosine.
Molecular consequence: missense variant. On other transcripts: non-coding transcript variant (1).
Genome position (GRCh38, 1-based): chr11:67,219,296, C>T. VCF-style: chr11-67219296-C-T. GRCh37 (hg19) VCF-style: chr11-66986767-C-T.
Other names: short protein forms H284Y.
Identifiers: ClinVar variation 3377192 (VCV003377192.2).